The following is an entry in ClinVar:

ClinVar aggregate classification (germline): Likely benign (1 of 4 stars; one submission).

Conditions:
Wilson disease (WND). Also called: Wilson's disease. Identifiers: Orphanet 905, MedGen C0019202, MONDO:0010200, OMIM 277900. Disease mechanism: loss of function.

Allele frequency attached by ClinVar (database versions not stated): gnomAD exomes below 0.00001.
gnomAD v4.1: 3 of 1,614,214 alleles (0.00019%); highest among the groups gnomAD compares: Non-Finnish European, 0.00025%; no homozygotes.

Submission:

All of Us Research Program, National Institutes of Health
Classification: Likely benign for Wilson disease. Last evaluated: 2024-10-02. Review status: criteria provided, single submitter. Criteria: ACMG Guidelines, 2015. Collection method: clinical testing. Allele origin: germline. Inheritance: Autosomal recessive inheritance. Observed: 4 variant alleles, 4 heterozygotes.
Comment: This study involves interpretation of variants in research participants for the purpose of population health screening. Participant phenotype was not available at the time of variant classification. Additional details can be found in publication PMID: 35346344, PMCID: PMC8962531

NM_000053.4(ATP7B):c.3696C>A (p.Thr1232=)

Gene: ATP7B (ATPase copper transporting beta; minus strand). Cytogenetic location: 13q14.3.
Variant type: single nucleotide variant.
Coding change: c.3696C>A on transcript NM_000053.4 (MANE Select); coding-DNA position 3696, C replaced by A.
Protein change: p.Thr1232=; no amino-acid change (threonine 1232 retained).
Molecular consequence: synonymous variant.
Genome position (GRCh38, 1-based): chr13:51,939,054, G>T on the plus strand (C>A on the coding strand, the complement: ATP7B is on the minus strand). VCF-style: chr13-51939054-G-T. GRCh37 (hg19) VCF-style: chr13-52513190-G-T.
Other names: c.3642C>A, p.Thr1214= (NM_001406516.1, NM_001406515.1); c.3600C>A, p.Thr1200= (NM_001406517.1, NM_001406518.1); c.3561C>A, p.Thr1187= (NM_001406519.1); c.3210C>A, p.Thr1070= (NM_001406541.1, NM_001406542.1); c.3204C>A, p.Thr1068= (NM_001406543.1); c.3114C>A, p.Thr1038= (NM_001406544.1); c.3048C>A, p.Thr1016= (NM_001406545.1); c.3015C>A, p.Thr1005= (NM_001406546.1); and 20 more.
Identifiers: ClinVar variation 3075585 (VCV003075585.2), dbSNP rs1593651836, ClinGen allele CA483893573.